The following is an entry in ClinVar:

ClinVar aggregate classification (germline): Conflicting classifications of pathogenicity. Review status: criteria provided, conflicting classifications (1 of 4 stars). 3 submissions from 3 submitters: Likely pathogenic (1); Uncertain significance (2). Last evaluated 2024-10-18.

Submissions (3):

Labcorp Genetics (formerly Invitae), Labcorp
Classification: Uncertain significance. Last evaluated: 2024-10-18. Review status: criteria provided, single submitter. Criteria: Invitae Variant Classification Sherloc (09022015). Collection method: clinical testing. Allele origin: germline.
Comment: This sequence change falls in intron 20 of the COL2A1 gene. It does not directly change the encoded amino acid sequence of the COL2A1 protein. It affects a nucleotide within the consensus splice site. This variant is not present in population databases (gnomAD no frequency). This variant has not been reported in the literature in individuals affected with COL2A1-related conditions. ClinVar contains an entry for this variant (Variation ID: 421173). Variants that disrupt the consensus splice site are a relatively common cause of aberrant splicing (PMID: 17576681, 9536098). Algorithms developed to predict the effect of sequence changes on RNA splicing suggest that this variant may disrupt the consensus splice site. In summary, the available evidence is currently insufficient to determine the role of this variant in disease. Therefore, it has been classified as a Variant of Uncertain Significance.

Eurofins Ntd Llc (ga)
Classification: Uncertain significance. Last evaluated: 2017-01-17. Review status: criteria provided, single submitter. Criteria: EGL Classification Definitions 2015. Collection method: clinical testing. Allele origin: germline. Observed: 1 variant allele, 1 heterozygote.

GeneDx
Classification: Likely pathogenic. Last evaluated: 2016-05-10. Review status: criteria provided, single submitter. Criteria: GeneDx Variant Classification (06012015). Collection method: clinical testing. Allele origin: germline. Affected: yes.
Comment: The c.1266+5G>A variant in the COL2A1 gene has not been reported previously as a pathogenic variant nor as a benign variant, to our knowledge. This variant destroys the splice donor site in intron 20. It is predicted to cause abnormal gene splicing, either leading to an abnormal message that is subject to nonsense-mediated mRNA decay, or to an abnormal protein product if the message is used for protein translation. The c.1266+5G>A variant was not observed in approximately 6,500 individuals of European and African American ancestry in the NHLBI Exome Sequencing Project, indicating it is not a common benign variant in these populations. The c.1266+5G>A variant is a strong candidate for a pathogenic variant however the possibility it may be a rare benign variant cannot be excluded.

Literature cited by the submitters: PubMed 17576681 (cited by Labcorp Genetics (formerly Invitae), Labcorp); PubMed 9536098 (cited by Labcorp Genetics (formerly Invitae), Labcorp).

NM_001844.5(COL2A1):c.1266+5G>A

Gene: COL2A1 (collagen type II alpha 1 chain; minus strand). Cytogenetic location: 12q13.11.
Variant type: single nucleotide variant.
Coding change: c.1266+5G>A on transcript NM_001844.5 (MANE Select); 5 bases into the intron after coding-DNA position 1266, G replaced by A.
Molecular consequence: intron variant.
Genome position (GRCh38, 1-based): chr12:47,987,264, C>T on the plus strand (G>A on the coding strand, the complement: COL2A1 is on the minus strand). VCF-style: chr12-47987264-C-T. GRCh37 (hg19) VCF-style: chr12-48381047-C-T.
Other names: c.1059+5G>A (NM_033150.3).
Identifiers: ClinVar variation 421173 (VCV000421173.9), dbSNP rs1064794958, ClinGen allele CA16619529.